The following is an entry in ClinVar:

NM_020964.3(EPG5):c.6541G>T (p.Glu2181Ter)

Gene: EPG5 (ectopic P-granules 5 autophagy tethering factor; minus strand). Cytogenetic location: 18q12.3.
Variant type: single nucleotide variant.
Coding change: c.6541G>T on transcript NM_020964.3 (MANE Select); coding-DNA position 6541, G replaced by T.
Protein change: p.Glu2181Ter; replaces glutamic acid 2181 with a stop codon.
Molecular consequence: nonsense.
Genome position (GRCh38, 1-based): chr18:45,866,878, C>A on the plus strand (G>T on the coding strand, the complement: EPG5 is on the minus strand). VCF-style: chr18-45866878-C-A. GRCh37 (hg19) VCF-style: chr18-43446843-C-A.
Other names: c.6541G>T, p.Glu2181Ter (NM_001410858.1); c.6538G>T, p.Glu2180Ter (NM_001410859.1); short protein forms E2180*, E2181*.
Identifiers: ClinVar variation 2719089 (VCV002719089.4), dbSNP rs755840290, ClinGen allele CA8948244.

ClinVar aggregate classification (germline): Pathogenic. Review status: criteria provided, multiple submitters, no conflicts (2 of 4 stars). 2 submissions from 2 submitters: Pathogenic (2). Last evaluated 2025-08-25.

Conditions:
Vici syndrome (VICIS). Identifiers: Orphanet 1493, MedGen C1855772, MONDO:0009452, OMIM 242840.

Allele frequency attached by ClinVar (database versions not stated): ExAC 0.00001.
gnomAD v4.1: 2 of 1,614,190 alleles (0.00012%); highest among the groups gnomAD compares: African/African-American, 0.0013%; no homozygotes.

Submissions (2):

Daryl Scott Lab, Baylor College of Medicine
Classification: Pathogenic for Vici syndrome. Last evaluated: 2025-08-25. Review status: criteria provided, single submitter. Criteria: ACMG Guidelines, 2015. Collection method: clinical testing. Allele origin: unknown. Affected: yes. Observed: 1 compound heterozygote.
Comment: PVS1, PM2

Labcorp Genetics (formerly Invitae), Labcorp
Classification: Pathogenic for Vici syndrome. Last evaluated: 2023-06-27. Review status: criteria provided, single submitter. Criteria: Invitae Variant Classification Sherloc (09022015). Collection method: clinical testing. Allele origin: germline.
Comment: This sequence change creates a premature translational stop signal (p.Glu2181*) in the EPG5 gene. It is expected to result in an absent or disrupted protein product. Loss-of-function variants in EPG5 are known to be pathogenic (PMID: 23222957, 23674064). This variant is present in population databases (rs755840290, gnomAD 0.003%). This variant has not been reported in the literature in individuals affected with EPG5-related conditions. For these reasons, this variant has been classified as Pathogenic.

Literature cited by the submitters: PubMed 23222957 (cited by Labcorp Genetics (formerly Invitae), Labcorp); PubMed 23674064 (cited by Labcorp Genetics (formerly Invitae), Labcorp).